The following is an entry in ClinVar:

NM_199420.4(POLQ):c.4189A>T (p.Thr1397Ser)

Gene: POLQ (DNA polymerase theta; minus strand). Cytogenetic location: 3q13.33.
Variant type: single nucleotide variant.
Coding change: c.4189A>T on transcript NM_199420.4 (MANE Select); coding-DNA position 4189, A replaced by T.
Protein change: p.Thr1397Ser; replaces threonine 1397 with serine.
Molecular consequence: missense variant.
Genome position (GRCh38, 1-based): chr3:121,488,742, T>A on the plus strand (A>T on the coding strand, the complement: POLQ is on the minus strand). VCF-style: chr3-121488742-T-A. GRCh37 (hg19) VCF-style: chr3-121207589-T-A.
Other names: short protein forms T1397S.
Identifiers: ClinVar variation 2497156 (VCV002497156.2), dbSNP rs2108798141, ClinGen allele CA354095837.

ClinVar aggregate classification (germline): Uncertain significance (1 of 4 stars; one submission).

Allele frequency attached by ClinVar (database versions not stated): gnomAD exomes below 0.00001.
gnomAD v4.1: 1 of 1,613,944 alleles (0.000062%); highest among the groups gnomAD compares: Non-Finnish European, 0.000085%; no homozygotes.

Submission:

Ambry Genetics
Classification: Uncertain significance. Last evaluated: 2023-01-08. Review status: criteria provided, single submitter. Criteria: Ambry Variant Classification Scheme 2023. Collection method: clinical testing. Allele origin: germline.
Comment: The p.T1397S variant (also known as c.4189A>T), located in coding exon 16 of the POLQ gene, results from an A to T substitution at nucleotide position 4189. The threonine at codon 1397 is replaced by serine, an amino acid with similar properties. This amino acid position is conserved. In addition, this alteration is predicted to be tolerated by in silico analysis. Since supporting evidence is limited at this time, the clinical significance of this alteration remains unclear.